The following is an entry in ClinVar:

ClinVar aggregate classification (germline): Benign (1 of 4 stars; one submission).

Conditions:
Qualitative or quantitative defects of delta-sarcoglycan. Identifiers: Orphanet 207070, MedGen C5680806, MONDO:0016144.

Allele frequency attached by ClinVar (database versions not stated): 1000 Genomes Project 0.00819; gnomAD 0.00845 and 0.00921; 1000 Genomes Project 30x 0.00937; TOPMed 0.00969.

Submission:

Illumina Laboratory Services, Illumina
Classification: Benign for Qualitative or quantitative defects of delta-sarcoglycan. Last evaluated: 2018-01-13. Review status: criteria provided, single submitter. Criteria: ICSL Variant Classification Criteria 13 December 2019. Collection method: clinical testing. Allele origin: germline.
Comment: This variant was observed in the ICSL laboratory as part of a predisposition screen in an ostensibly healthy population. It had not been previously curated by ICSL or reported in the Human Gene Mutation Database (HGMD: prior to June 1st, 2018), and was therefore a candidate for classification through an automated scoring system. Utilizing variant allele frequency, disease prevalence and penetrance estimates, and inheritance mode, an automated score was calculated to assess if this variant is too frequent to cause the disease. Based on the score and internal cut-off values, a variant classified as benign is not then subjected to further curation. The score for this variant resulted in a classification of benign for this disease.

NM_000337.6(SGCD):c.*7816G>A

Gene: SGCD (sarcoglycan delta; plus strand). Cytogenetic location: 5q33.3.
Variant type: single nucleotide variant.
Coding change: c.*7816G>A on transcript NM_000337.6 (MANE Select); 7816 bases downstream of the stop codon, G replaced by A.
Molecular consequence: 3 prime UTR variant.
Genome position (GRCh38, 1-based): chr5:156,767,206, G>A. VCF-style: chr5-156767206-G-A. GRCh37 (hg19) VCF-style: chr5-156194217-G-A.
Other names: c.*7816G>A (NM_001128209.2).
Identifiers: ClinVar variation 352447 (VCV000352447.6), dbSNP rs78589560, ClinGen allele CA10623922.